The following is an entry in ClinVar:

ClinVar aggregate classification (germline): Uncertain significance (1 of 4 stars; one submission).

Conditions:
Primary ciliary dyskinesia. Also called: Ciliary dyskinesia. Identifiers: Orphanet 244, MedGen C0008780, MONDO:0016575, HP:0012265.

gnomAD v4.1: 27 of 1,613,742 alleles (0.0017%); highest among the groups gnomAD compares: Non-Finnish European, 0.0019%; no homozygotes.

Submission:

Labcorp Genetics (formerly Invitae), Labcorp
Classification: Uncertain significance for Primary ciliary dyskinesia. Last evaluated: 2024-10-29. Review status: criteria provided, single submitter. Criteria: Invitae Variant Classification Sherloc (09022015). Collection method: clinical testing. Allele origin: germline.
Comment: This sequence change replaces serine, which is neutral and polar, with phenylalanine, which is neutral and non-polar, at codon 1702 of the DNAH5 protein (p.Ser1702Phe). This variant is present in population databases (rs542591554, gnomAD 0.007%). This variant has not been reported in the literature in individuals affected with DNAH5-related conditions. Invitae Evidence Modeling of protein sequence and biophysical properties (such as structural, functional, and spatial information, amino acid conservation, physicochemical variation, residue mobility, and thermodynamic stability) has been performed for this missense variant. However, the output from this modeling did not meet the statistical confidence thresholds required to predict the impact of this variant on DNAH5 protein function. In summary, the available evidence is currently insufficient to determine the role of this variant in disease. Therefore, it has been classified as a Variant of Uncertain Significance.

NM_001369.3(DNAH5):c.5105C>T (p.Ser1702Phe)

Gene: DNAH5 (dynein axonemal heavy chain 5; minus strand). Cytogenetic location: 5p15.2.
Variant type: single nucleotide variant.
Coding change: c.5105C>T on transcript NM_001369.3 (MANE Select); coding-DNA position 5105, C replaced by T.
Protein change: p.Ser1702Phe; replaces serine 1702 with phenylalanine.
Molecular consequence: missense variant.
Genome position (GRCh38, 1-based): chr5:13,850,661, G>A on the plus strand (C>T on the coding strand, the complement: DNAH5 is on the minus strand). VCF-style: chr5-13850661-G-A. GRCh37 (hg19) VCF-style: chr5-13850770-G-A.
Other names: short protein forms S1702F.
Identifiers: ClinVar variation 3632030 (VCV003632030.1).